The following is an entry in ClinVar:

ClinVar aggregate classification (germline): Benign/Likely benign. Review status: criteria provided, multiple submitters, no conflicts (2 of 4 stars). 3 submissions from 3 submitters: Benign (1); Likely benign (2). Last evaluated 2018-07-15.

Conditions:
Mucopolysaccharidosis, MPS-IV-A (MPS4A). Also called: Mucopolysaccharidosis Type IVA; GALACTOSAMINE-6-SULFATASE DEFICIENCY; GALNS DEFICIENCY; MPS IVA; MORQUIO A DISEASE; mucopolysaccharidosis type 4A. Identifiers: Orphanet 309297, Orphanet 582, MedGen C0086651, MONDO:0009659, OMIM 253000.

Allele frequency attached by ClinVar (database versions not stated): 1000 Genomes Project 30x 0.03232; TOPMed 0.03298; gnomAD 0.02908 and 0.03132; 1000 Genomes Project 0.05331.
gnomAD v4.1: 7,491 of 1,405,504 alleles (0.53%); highest among the groups gnomAD compares: African/African-American, 10%; 367 homozygotes.

Submissions (3):

GeneDx
Classification: Benign. Last evaluated: 2018-07-15. Review status: criteria provided, single submitter. Criteria: GeneDx Variant Classification Process June 2021. Collection method: clinical testing. Allele origin: germline. Affected: yes.

Illumina Laboratory Services, Illumina
Classification: Likely benign for Mucopolysaccharidosis, MPS-IV-A. Last evaluated: 2017-04-28. Review status: criteria provided, single submitter. Criteria: ICSL Variant Classification Criteria 13 December 2019. Collection method: clinical testing. Allele origin: germline.
Comment: This variant was observed as part of a predisposition screen in an ostensibly healthy population. A literature search was performed for the gene, cDNA change, and amino acid change (where applicable). No publications were found based on this search. Allele frequency data from public databases allowed determination this variant is unlikely to cause disease. Therefore, this variant is classified as likely benign.

Breakthrough Genomics
Classification: Likely benign. Review status: criteria provided, single submitter. Criteria: ACMG Guidelines, 2015. Collection method: not provided. Allele origin: germline. Inheritance: Autosomal recessive inheritance. Affected: yes.

NM_000512.4(GALNS):c.-92T>C

Genes: GALNS (galactosamine (N-acetyl)-6-sulfatase; minus strand), TRAPPC2L (trafficking protein particle complex subunit 2L; plus strand), LOC130059762 (ATAC-STARR-seq lymphoblastoid silent region 7883; plus strand). Cytogenetic location: 16q24.3.
Variant type: single nucleotide variant.
Coding change: c.-92T>C on transcript NM_000512.4; 92 bases upstream of the start codon, T replaced by C.
Genome position (GRCh38, 1-based): chr16:88,856,969, A>G on the plus strand (T>C on the coding strand, the complement: GALNS is on the minus strand). VCF-style: chr16-88856969-A-G. GRCh37 (hg19) VCF-style: chr16-88923377-A-G.
Identifiers: ClinVar variation 369142 (VCV000369142.11), dbSNP rs116702472, ClinGen allele CA10654547.